The following is an entry in ClinVar:

ClinVar aggregate classification (germline): Likely pathogenic (1 of 4 stars; one submission).

Conditions:
Alkaptonuria (AKU). Also called: Alcaptonuria; HOMOGENTISIC ACID OXIDASE DEFICIENCY; Alkaptonuric ochronosis; Homogentisic acidura. Identifiers: Orphanet 56, MedGen C0002066, MONDO:0008753, OMIM 203500.

Submission:

Myriad Genetics, Inc.
Classification: Likely pathogenic for Alkaptonuria. Last evaluated: 2022-02-05. Review status: criteria provided, single submitter. Criteria: Myriad Women's Health Autosomal Recessive and X-Linked Classification Criteria (2021). Collection method: clinical testing. Allele origin: unknown.
Comment: NM_000187.3(HGD):c.748delC(Q250Rfs*30) is expected to be pathogenic in the context of alkaptonuria. This variant is predicted to lead to an abnormal or absent protein product due to the creation of a premature termination codon in HGD, a gene where loss-of-function variants are known to be pathogenic. Please note: this variant was assessed in the context of healthy population screening.

NM_000187.4(HGD):c.748del (p.Gln250fs)

Gene: HGD (homogentisate 1,2-dioxygenase; minus strand). Cytogenetic location: 3q13.33.
Variant type: Deletion.
Coding change: c.748del on transcript NM_000187.4 (MANE Select); coding-DNA position 748, one base deleted (C; older notation c.748delC).
Protein change: p.Gln250fs; shifts the reading frame from glutamine 250.
Molecular consequence: frameshift variant.
Genome position (GRCh38, 1-based): chr3:120,644,345, G deleted on the plus strand (C on the coding strand, the reverse complement: HGD is on the minus strand); the first of 2 consecutive G bases (chr3:120,644,345-120,644,346); deleting either gives the same sequence. VCF-style (leftmost placement, unchanged base first): chr3-120644344-TG-T. GRCh37 (hg19) VCF-style: chr3-120363191-TG-T.
Other names: short protein forms Q250fs.
Identifiers: ClinVar variation 1724299 (VCV001724299.2), dbSNP rs2472689563, ClinGen allele CA2580068603.